The following is an entry in ClinVar:

NM_001004416.3(UMODL1):c.255C>T (p.Pro85=)

Gene: UMODL1 (uromodulin like 1; plus strand). Cytogenetic location: 21q22.3.
Variant type: single nucleotide variant.
Coding change: c.255C>T on transcript NM_001004416.3 (MANE Select); coding-DNA position 255, C replaced by T.
Protein change: p.Pro85=; no amino-acid change (proline 85 retained).
Molecular consequence: synonymous variant.
Genome position (GRCh38, 1-based): chr21:42,076,183, C>T. VCF-style: chr21-42076183-C-T. GRCh37 (hg19) VCF-style: chr21-43496292-C-T.
Other names: c.39C>T, p.Pro13= (NM_001199527.3, NM_001199528.4); c.255C>T, p.Pro85= (NM_173568.4).
Identifiers: ClinVar variation 2652695 (VCV002652695.24), dbSNP rs1537116, ClinGen allele CA10039107.

ClinVar aggregate classification (germline): Likely benign (1 of 4 stars; one submission).

Allele frequency attached by ClinVar (database versions not stated): 1000 Genomes Project 0.00060; 1000 Genomes Project 30x 0.00062; gnomAD 0.00157; TOPMed 0.00159; ExAC 0.00180; ESP Exome Variant Server 0.00198; gnomAD exomes 0.00265.
gnomAD v4.1: 4,091 of 1,614,218 alleles (0.25%); highest among the groups gnomAD compares: Non-Finnish European, 0.31%; 10 homozygotes.

Submission:

CeGaT Center for Human Genetics Tuebingen
Classification: Likely benign. Last evaluated: 2022-05-01. Review status: criteria provided, single submitter. Criteria: CeGaT Center For Human Genetics Tuebingen Variant Classification Criteria Version 2. Collection method: clinical testing. Allele origin: germline. Affected: yes. Observed: 1 variant allele.
Comment: UMODL1: BP4, BP7